The following is an entry in ClinVar:

ClinVar aggregate classification (germline): Likely pathogenic (1 of 4 stars; one submission).

Conditions:
Fabry disease. Also called: ALPHA-GALACTOSIDASE A DEFICIENCY; ANDERSON-FABRY DISEASE; CERAMIDE TRIHEXOSIDASE DEFICIENCY; GLA DEFICIENCY; HEREDITARY DYSTOPIC LIPIDOSIS; Angiokeratoma corporis diffusum. Identifiers: Orphanet 324, MedGen C0002986, MONDO:0010526, OMIM 301500, HP:0001071. Disease mechanism: Fabry disease is due to inactivating mutations in the X-linked GLA gene resulting in deficiency of the enzyme Alpha Galactosidase-A., loss of function.

Submission:

Genomenon, Inc
Classification: Likely pathogenic for Fabry disease. Last evaluated: 2026-09-08. Review status: criteria provided, single submitter. Criteria: Genomenon Sequence Variant Interpretation Standards - Updated. Collection method: curation. Allele origin: germline. Affected: yes.
Comment: GLA p.Met187Lys (c.560T>A) is a missense variant that changes the amino acid at codon 187 from Methionine to Lysine. This variant has been observed in at least one proband with clinical features consistent with Fabry disease (PMID:38002959). The variant was found to segregate with disease in at least one affected family (PMID:38002959). The presence of pathogenic/likely pathogenic missense variant(s) at the same amino acid position indicates that this residue is likely important for protein function. It is absent or not present at a significant frequency in gnomAD. In silico models predict that this variant is possibly or probably damaging. In conclusion, we classify GLA p.Met187Lys (c.560T>A) as a likely pathogenic variant.

Literature cited by the submitters: PubMed 38002959.

NM_000169.3(GLA):c.560T>A (p.Met187Lys)

Genes: GLA (galactosidase alpha; minus strand), RPL36A-HNRNPH2 (RPL36A-HNRNPH2 readthrough; plus strand). Cytogenetic location: Xq22.1.
Variant type: single nucleotide variant.
Coding change: c.560T>A on transcript NM_000169.3 (MANE Select); coding-DNA position 560, T replaced by A.
Protein change: p.Met187Lys; replaces methionine 187 with lysine.
Molecular consequence: missense variant. On other transcripts: non-coding transcript variant (2), intron variant (2).
Genome position (GRCh38, 1-based): chrX:101,400,745, A>T on the plus strand (T>A on the coding strand, the complement: GLA is on the minus strand). VCF-style: chrX-101400745-A-T. GRCh37 (hg19) VCF-style: chrX-100655733-A-T.
Other names: c.683T>A, p.Met228Lys (NM_001406747.1); c.560T>A, p.Met187Lys (NM_001406748.1); c.300+5288A>T (NM_001199973.2); c.177+8923A>T (NM_001199974.2); short protein forms M187K, M228K.
Identifiers: ClinVar variation 4087419 (VCV004087419.2).
Genomic context (GRCh38, chrX:101,400,745, plus strand): 5'-TAAAGAGGCCACTCACAGGAGTACACAATGCTTCTGCCAGTCCTATTCAGGGCCAAGGAC[A>T]TGTGCTTATAACCTGTATGAGAAAACAATGGGTAAAATAAGGGAAAGAAATGAATTTCCA-3'
Protein context (NP_000160.1, residues 177-197): LENLADGYKH[Met187Lys]SLALNRTGRS